The following is an entry in ClinVar:

ClinVar aggregate classification (germline): Uncertain significance (1 of 4 stars; one submission).

Conditions:
Pfeiffer syndrome (ACS5). Also called: ACS V. Identifiers: Orphanet 710, MedGen C0220658, MONDO:0007043, OMIM 101600.
Hypogonadotropic hypogonadism 2 with or without anosmia (HH2). Also called: HYPOGONADOTROPIC HYPOGONADISM 2 WITHOUT ANOSMIA; FGFR1-Related GnRH Deficiency (Kallmann Syndrome 2); HYPOGONADOTROPIC HYPOGONADISM 2 WITH OR WITHOUT ANOSMIA, SUSCEPTIBILITY TO; HYPOGONADOTROPIC HYPOGONADISM 2 WITHOUT ANOSMIA, SUSCEPTIBILITY TO. Identifiers: Orphanet 478, MedGen C1563720, MONDO:0007844, OMIM 147950. Disease mechanism: loss of function.

gnomAD v4.1: 70 of 1,613,738 alleles (0.0043%); highest among the groups gnomAD compares: Non-Finnish European, 0.0059%; no homozygotes.

Submission:

Labcorp Genetics (formerly Invitae), Labcorp
Classification: Uncertain significance for Pfeiffer syndrome; Hypogonadotropic hypogonadism 2 with or without anosmia. Last evaluated: 2024-10-08. Review status: criteria provided, single submitter. Criteria: Invitae Variant Classification Sherloc (09022015). Collection method: clinical testing. Allele origin: germline.
Comment: This sequence change replaces asparagine, which is neutral and polar, with serine, which is neutral and polar, at codon 659 of the FGFR1 protein (p.Asn659Ser). This variant is present in population databases (no rsID available, gnomAD 0.003%). This variant has not been reported in the literature in individuals affected with FGFR1-related conditions. An algorithm developed to predict the effect of missense changes on protein structure and function (PolyPhen-2) suggests that this variant is likely to be disruptive. In summary, the available evidence is currently insufficient to determine the role of this variant in disease. Therefore, it has been classified as a Variant of Uncertain Significance.

NM_023110.3(FGFR1):c.1976A>G (p.Asn659Ser)

Gene: FGFR1 (fibroblast growth factor receptor 1; minus strand). Cytogenetic location: 8p11.23.
Variant type: single nucleotide variant.
Coding change: c.1976A>G on transcript NM_023110.3 (MANE Select); coding-DNA position 1976, A replaced by G.
Protein change: p.Asn659Ser; replaces asparagine 659 with serine.
Molecular consequence: missense variant.
Genome position (GRCh38, 1-based): chr8:38,414,780, T>C on the plus strand (A>G on the coding strand, the complement: FGFR1 is on the minus strand). VCF-style: chr8-38414780-T-C. GRCh37 (hg19) VCF-style: chr8-38272298-T-C.
Other names: c.1970A>G, p.Asn657Ser (NM_001174063.2, NM_001174065.2, NM_001354367.2 and 1 more transcripts); c.1946A>G, p.Asn649Ser (NM_001174064.2); c.1709A>G, p.Asn570Ser (NM_001174066.2, NM_023105.3); c.2069A>G, p.Asn690Ser (NM_001174067.2); c.1697A>G, p.Asn566Ser (NM_001354368.2); c.1964A>G, p.Asn655Ser (NM_001354369.2, NM_001410922.1); c.1703A>G, p.Asn568Ser (NM_001354370.2, NM_023106.3); short protein forms N566S, N568S, N570S, N649S, N655S, N657S, N659S, N690S.
Identifiers: ClinVar variation 3762998 (VCV003762998.2).
Genomic context (GRCh38, chr8:38,414,780, plus strand): 5'-CCCCACTCCTTGCTTCTCAGATGAAACCACCAGCACAGGGCGGCCTTGTCGGCACTCACG[T>C]TGGTTGTCTTTTTATAGTAGTCGATGTGGTGAATGTCCCGTGCGAGGCCAAAGTCTGCTA-3'
Protein context (NP_075598.2, residues 649-669): HHIDYYKKTT[Asn659Ser]GRLPVKWMAP